The following is an entry in ClinVar:

NM_002617.4(PEX10):c.601-76C>G

Gene: PEX10 (peroxisomal biogenesis factor 10; minus strand). Cytogenetic location: 1p36.32.
Variant type: single nucleotide variant.
Coding change: c.601-76C>G on transcript NM_002617.4 (MANE Select); 76 bases into the intron before coding-DNA position 601, C replaced by G.
Molecular consequence: intron variant.
Genome position (GRCh38, 1-based): chr1:2,406,971, G>C on the plus strand (C>G on the coding strand, the complement: PEX10 is on the minus strand). VCF-style: chr1-2406971-G-C. GRCh37 (hg19) VCF-style: chr1-2338410-G-C.
Other names: c.169-76C>G (NM_001374427.1); c.169-19C>G (NM_001374426.1); c.601-19C>G (NM_001374425.1); c.601-16C>G (NM_153818.2).
Identifiers: ClinVar variation 2140566 (VCV002140566.4), dbSNP rs373676994, ClinGen allele CA538112.

ClinVar aggregate classification (germline): Uncertain significance (1 of 4 stars; one submission).

Conditions:
Peroxisome biogenesis disorder, complementation group 7 (CG7). Also called: Peroxisome biogenesis disorder, complementation group B. Identifiers: MedGen C1864399.

gnomAD v4.1: 17 of 1,550,656 alleles (0.0011%); highest among the groups gnomAD compares: South Asian, 0.02%; no homozygotes.

Submission:

Labcorp Genetics (formerly Invitae), Labcorp
Classification: Uncertain significance for Peroxisome biogenesis disorder, complementation group 7. Last evaluated: 2022-08-19. Review status: criteria provided, single submitter. Criteria: Invitae Variant Classification Sherloc (09022015). Collection method: clinical testing. Allele origin: germline.
Comment: In summary, the available evidence is currently insufficient to determine the role of this variant in disease. Therefore, it has been classified as a Variant of Uncertain Significance. Algorithms developed to predict the effect of sequence changes on RNA splicing suggest that this variant may disrupt the consensus splice site. This variant has not been reported in the literature in individuals affected with PEX10-related conditions. This variant is present in population databases (rs373676994, gnomAD 0.02%). This sequence change falls in intron 3 of the PEX10 gene. It does not directly change the encoded amino acid sequence of the PEX10 protein.